The following is an entry in ClinVar:

ClinVar aggregate classification (germline): Uncertain significance (1 of 4 stars; one submission).

Conditions:
Mowat-Wilson syndrome (MOWS). Also called: Classic Mowat-Wilson Syndrome. Identifiers: Orphanet 2152, MedGen C1856113, MONDO:0009341, OMIM 235730.

Allele frequency attached by ClinVar (database versions not stated): gnomAD exomes below 0.00001 and 0.00003; TOPMed below 0.00001.
gnomAD v4.1: 43 of 1,613,700 alleles (0.0027%); highest among the groups gnomAD compares: Non-Finnish European, 0.0035%; no homozygotes.

Submission:

Labcorp Genetics (formerly Invitae), Labcorp
Classification: Uncertain significance for Mowat-Wilson syndrome. Last evaluated: 2024-05-16. Review status: criteria provided, single submitter. Criteria: Invitae Variant Classification Sherloc (09022015). Collection method: clinical testing. Allele origin: germline.
Comment: This sequence change replaces serine, which is neutral and polar, with arginine, which is basic and polar, at codon 1136 of the ZEB2 protein (p.Ser1136Arg). This variant is present in population databases (no rsID available, gnomAD 0.0009%). This variant has not been reported in the literature in individuals affected with ZEB2-related conditions. ClinVar contains an entry for this variant (Variation ID: 405333). Advanced modeling of protein sequence and biophysical properties (such as structural, functional, and spatial information, amino acid conservation, physicochemical variation, residue mobility, and thermodynamic stability) performed at Invitae indicates that this missense variant is not expected to disrupt ZEB2 protein function with a negative predictive value of 80%. In summary, the available evidence is currently insufficient to determine the role of this variant in disease. Therefore, it has been classified as a Variant of Uncertain Significance.

NM_014795.4(ZEB2):c.3408C>G (p.Ser1136Arg)

Gene: ZEB2 (zinc finger E-box binding homeobox 2; minus strand). Cytogenetic location: 2q22.3.
Variant type: single nucleotide variant.
Coding change: c.3408C>G on transcript NM_014795.4 (MANE Select); coding-DNA position 3408, C replaced by G.
Protein change: p.Ser1136Arg; replaces serine 1136 with arginine.
Molecular consequence: missense variant.
Genome position (GRCh38, 1-based): chr2:144,389,688, G>C on the plus strand (C>G on the coding strand, the complement: ZEB2 is on the minus strand). VCF-style: chr2-144389688-G-C. GRCh37 (hg19) VCF-style: chr2-145147255-G-C.
Other names: c.3336C>G, p.Ser1112Arg (NM_001171653.2); short protein forms S1136R, S1112R.
Identifiers: ClinVar variation 405333 (VCV000405333.9), dbSNP rs1060500655, ClinGen allele CA16610248.